The following is an entry in ClinVar:

NM_000350.3(ABCA4):c.3113C>T (p.Ala1038Val)

Gene: ABCA4 (ATP binding cassette subfamily A member 4; minus strand). Cytogenetic location: 1p22.1.
Variant type: single nucleotide variant.
Coding change: c.3113C>T on transcript NM_000350.3 (MANE Select); coding-DNA position 3113, C replaced by T.
Protein change: p.Ala1038Val; replaces alanine 1038 with valine.
Molecular consequence: missense variant.
Genome position (GRCh38, 1-based): chr1:94,043,413, G>A on the plus strand (C>T on the coding strand, the complement: ABCA4 is on the minus strand). VCF-style: chr1-94043413-G-A. GRCh37 (hg19) VCF-style: chr1-94508969-G-A.
Other names: c.2891C>T, p.Ala964Val (NM_001425324.1); short protein forms A1038V, A964V.
Identifiers: ClinVar variation 7894 (VCV000007894.107), dbSNP rs61751374, ClinGen allele CA119135.

ClinVar aggregate classification (germline): Pathogenic/Likely pathogenic. Review status: criteria provided, multiple submitters, no conflicts (2 of 4 stars). 50 submissions from 40 submitters: Pathogenic (30); Likely pathogenic (6). 14 of the submissions do not count toward it. Last evaluated 2026-09-25.

Conditions:
Severe early-childhood-onset retinal dystrophy (STGD1). Also called: STGD; Stargardt macular dystrophy; Juvenile onset macular degeneration; Stargardt disease 1; MACULAR DYSTROPHY WITH FLECKS, TYPE 1. Identifiers: Orphanet 364055, Orphanet 827, MedGen C1855465, MeSH D000080362, MONDO:0009549, OMIM 248200.
Retinitis pigmentosa 19 (RP19). Also called: ABCA4-Related Retinitis Pigmentosa. Identifiers: Orphanet 791, MedGen C1866422, MONDO:0011137, OMIM 601718.
autosomal recessive ABCA4-related retinopathy.
Cone-rod dystrophy 3 (CORD3). Identifiers: Orphanet 1872, MedGen C1858806, MONDO:0011395, OMIM 604116.
ABCA4-related disorder. Also called: ABCA4-related disorders; ABCA4-related condition. Identifiers: MedGen CN239167.
Macular dystrophy. Identifiers: MedGen C0730292, HP:0007754.
Optic atrophy. Identifiers: MedGen C0029124, MONDO:0003608, HP:0000648.
Retinal dystrophy. Also called: Inherited retinal dystrophy. Identifiers: Orphanet 71862, MedGen C0854723, MeSH D058499, MONDO:0019118, HP:0000556.
Age related macular degeneration 2. Also called: MACULOPATHY, AGE-RELATED; MACULAR DEGENERATION, SENILE; MACULOPATHY, AGE-RELATED, 2. Identifiers: MedGen C3495438, MONDO:0007932, OMIM 153800.
Retinitis pigmentosa (RP). Identifiers: Orphanet 791, MedGen C0035334, MeSH D012174, MONDO:0019200, OMIM 268000. Inheritance: Autosomal dominant, autosomal recessive and X linked inheritance.
Stargardt disease (FFM). Also called: Stargardt's disease; Fundus flavimaculatus. Identifiers: Orphanet 827, MedGen C0271093, MONDO:0019353.
Retinal disorder. Also called: Retinal disorders; Retinopathy; Retinopathies; Retinal Diseases. Identifiers: MedGen C0035309, MONDO:0005283, HP:0000488.

Allele frequency attached by ClinVar (database versions not stated): ExAC 0.00143; gnomAD exomes 0.00168 and 0.00188; 1000 Genomes Project 30x 0.00078; TOPMed 0.00135; gnomAD 0.00178 and 0.00164; 1000 Genomes Project 0.00080.
gnomAD v4.1: 2,983 of 1,614,144 alleles (0.18%); highest among the groups gnomAD compares: Non-Finnish European, 0.21%; 7 homozygotes.

Submissions 1 to 8 of 50:

PreventionGenetics, part of Exact Sciences
Classification: Pathogenic for ABCA4-related condition. Last evaluated: 2026-09-25. Review status: criteria provided, single submitter. Criteria: ACMG Guidelines, 2015. Collection method: clinical testing. Allele origin: germline.
Comment: The ABCA4 c.3113C>T variant is predicted to result in the amino acid substitution p.Ala1038Val. This variant has been reported many times in individuals with ABCA4-related retinal disease (see for examples: Lewis et al. 1999. PubMed ID: 9973280; Rozet et al. 1998. PubMed ID: 9781034). This variant is frequently detected on the same chromosome (in cis) with another ABCA4 variant, c.1622T>C (p.Leu541Pro), as the complex allele p.[Leu541Pro; Ala1038Val] in patients with autosomal recessive retinal dystrophy (Burke et al. 2012. PubMed ID: 22312191; Cella et al. 2009. PubMed ID: 19217903; Wiszniewski et al. 2005. PubMed ID: 16103129; Klevering et al. 2004. PubMed ID: 15494742). The complex allele is reported to cause a more severe phenotype than either variant individually (Zhang et al. 2015. PubMed ID: 25712131), and has been reported to be a hypomorph, requiring a severe variant on the opposite copy of the gene (in trans) to cause disease (Lee et al. 2022. PubMed ID: 34874912). This variant is reported in 0.56% of alleles in individuals of European (Finnish) descent in gnomAD, including 7 homozygotes in the most recent dataset (v4), indicating it is relatively common. Given the evidence, we interpret c.3113C>T (p.Ala1038Val) both alone and as part of the complex allele p.[Leu541Pro;Ala1038Val] as pathogenic.

Genetics Laboratory, Great Ormond Street Hospital NHS Foundation Trust, North Thames Genomic Laboratory Hub
Classification: Likely pathogenic for Retinal disorders. Last evaluated: 2026-09-21. Review status: criteria provided, single submitter. Criteria: ACGS Best Practice Guidelines for Variant Classification in Rare Disease 2024 v1.2. Collection method: clinical testing. Allele origin: germline. Affected: yes.
Comment: PS3_strong, PM3_moderate

Labcorp Genetics (formerly Invitae), Labcorp
Classification: Pathogenic. Last evaluated: 2026-01-28. Review status: criteria provided, single submitter. Criteria: Invitae Variant Classification Sherloc (09022015). Collection method: clinical testing. Allele origin: germline.
Comment: This sequence change replaces alanine, which is neutral and non-polar, with valine, which is neutral and non-polar, at codon 1038 of the ABCA4 protein (p.Ala1038Val). This variant is present in population databases (rs61751374, gnomAD 0.6%), including at least one homozygous and/or hemizygous individual. This missense change has been observed in individual(s) with Stargardt disease. It is commonly found in cis with p.Leu541Pro, which is thought to result in a more severe phenotype than the p.Ala1038Val variant alone (PMID: 9054934, 9973280, 10206579, 16103129, 19217903, 22312191, 24509150, 25712131). It has also been observed to segregate with disease in related individuals. ClinVar contains an entry for this variant (Variation ID: 7894). Invitae Evidence Modeling of protein sequence and biophysical properties (such as structural, functional, and spatial information, amino acid conservation, physicochemical variation, residue mobility, and thermodynamic stability) indicates that this missense variant is not expected to disrupt ABCA4 protein function with a negative predictive value of 80%. Experimental studies have shown that this missense change affects ABCA4 function (PMID: 11017087, 16103129, 25712131). For these reasons, this variant has been classified as Pathogenic.

3billion
Classification: Pathogenic for ABCA4-related disorder. Last evaluated: 2026-01-08. Review status: criteria provided, single submitter. Criteria: ACMG Guidelines, 2015. Collection method: clinical testing. Allele origin: germline. Affected: yes.
Comment: The variant is observed at an extremely low frequency in the gnomAD v4.1.0 dataset (total allele frequency: 0.185%). Predicted Consequence/Location: Missense variant Functional studies provide strong evidence of the variant having a damaging effect on the gene or gene product (PMID: 11017087, 16103129, 25712131). The same nucleotide change resulting in the same amino acid change has been previously reported as pathogenic/likely pathogenic with strong evidence (ClinVar ID: VCV000007894 /PMID: 19365591, 9054934 /3billion dataset). Therefore, this variant is classified as Pathogenic according to the recommendation of ACMG/AMP guideline.

Women's Health and Genetics/Laboratory Corporation of America, LabCorp
Classification: Pathogenic for Stargardt disease. Last evaluated: 2025-12-23. Review status: criteria provided, single submitter. Criteria: LabCorp Variant Classification Summary - May 2015. Collection method: clinical testing. Allele origin: germline.
Comment: Variant summary: ABCA4 c.3113C>T (p.Ala1038Val) results in a non-conservative amino acid change in the encoded protein sequence. This variant is also frequently observed as a complex allele with c.1622T>C (p.Leu541Pro). Algorithms developed to predict the effect of missense changes on protein structure and function are either unavailable or do not agree on the potential impact of this missense change. The variant allele was found at a frequency of 0.0017 in 251308 control chromosomes in the gnomAD database, including 2 homozygotes. The observed variant frequency exceeds the estimated maximal expected allele frequency for disease-causing variants in ABCA4. c.3113C>T has been observed in multiple individuals affected with Stargardt Disease and related conditions (e.g. Rozet_1998, Garces_2018, Duncker_2015, Ganapathi_2022). These data indicate that the variant is very likely to be associated with disease. At least one publication reports experimental evidence evaluating an impact on protein function (e.g. Garces_2018, Sun_2000). The most pronounced variant effect results in reduced activity when compared to wildtype. The following publications have been ascertained in the context of this evaluation (PMID: 9781034, 29847635, 26551331, 35672425, 11017087). ClinVar contains an entry for this variant (Variation ID: 7894). Based on the evidence outlined above, the variant was classified as pathogenic.

Variantyx, Inc.
Classification: Pathogenic for autosomal recessive ABCA4-related retinopathy. Last evaluated: 2025-10-14. Review status: criteria provided, single submitter. Criteria: Variantyx Assertion Criteria 2022. Collection method: clinical testing. Allele origin: germline. Inheritance: Autosomal recessive inheritance. Affected: no.
Comment: This is a nonsynonymous variant in the ABCA4 gene (OMIM: 601691). Pathogenic variants in this gene have been associated with autosomal recessive ABCA4-related retinopathy. This variant has been reported in the homozygous or compound heterozygous state in many unrelated affected individuals (PMID: 37510321, 10958763, 22312191, 9973280) (PM3_Very_Strong)and it has been observed to segregate with disease in at least 7 individuals from 6 families (PMID: 10711710, 9054934) (PP1_Strong). Computational algorithms produce conflicting evidence regarding the predicted functional impact of this variant (REVEL score: 0.533), but functional studies have shown that this variant alters ABCA4 protein function (PMID: 16103129, 11017087, 25712131) (PS3_Moderate). This variant has a 0.2053% maximum allele frequency in non-founder control populations. Based on the current evidence, this variant is classified as pathogenic for autosomal recessive ABCA4-related retinopathy.

North West Genomic Laboratory Hub, Manchester University NHS Foundation Trust
Classification: Pathogenic for Retinal disorders. Last evaluated: 2025-04-02. Review status: criteria provided, single submitter. Criteria: ACGS Best Practice Guidelines for Variant Classification in Rare Disease 2020. Collection method: clinical testing. Allele origin: germline. Affected: yes.
Comment: PM3_VStr PS3_Mod

First Genomix Gene Laboratory, Genetic Diagnostics Department
Classification: Pathogenic for Cone-rod dystrophy 3; Severe early-childhood-onset retinal dystrophy; Retinitis pigmentosa 19. Last evaluated: 2025-03-14. Review status: criteria provided, single submitter. Criteria: ACMG Guidelines, 2015. Collection method: clinical testing. Allele origin: germline. Inheritance: Autosomal recessive inheritance. Affected: no. Observed: 1 variant allele.